The following is an entry in ClinVar:

ClinVar aggregate classification (germline): Uncertain significance (1 of 4 stars; one submission).

Submission:

Labcorp Genetics (formerly Invitae), Labcorp
Classification: Uncertain significance. Last evaluated: 2023-11-07. Review status: criteria provided, single submitter. Criteria: Invitae Variant Classification Sherloc (09022015). Collection method: clinical testing. Allele origin: germline.
Comment: This sequence change replaces alanine, which is neutral and non-polar, with aspartic acid, which is acidic and polar, at codon 417 of the ASXL2 protein (p.Ala417Asp). This variant is not present in population databases (gnomAD no frequency). This variant has not been reported in the literature in individuals affected with ASXL2-related conditions. Advanced modeling of protein sequence and biophysical properties (such as structural, functional, and spatial information, amino acid conservation, physicochemical variation, residue mobility, and thermodynamic stability) performed at Invitae indicates that this missense variant is not expected to disrupt ASXL2 protein function with a negative predictive value of 80%. In summary, the available evidence is currently insufficient to determine the role of this variant in disease. Therefore, it has been classified as a Variant of Uncertain Significance.

NM_018263.6(ASXL2):c.1250C>A (p.Ala417Asp)

Gene: ASXL2 (ASXL transcriptional regulator 2; minus strand). Cytogenetic location: 2p23.3.
Variant type: single nucleotide variant.
Coding change: c.1250C>A on transcript NM_018263.6 (MANE Select); coding-DNA position 1250, C replaced by A.
Protein change: p.Ala417Asp; replaces alanine 417 with aspartic acid.
Molecular consequence: missense variant.
Genome position (GRCh38, 1-based): chr2:25,750,306, G>T on the plus strand (C>A on the coding strand, the complement: ASXL2 is on the minus strand). VCF-style: chr2-25750306-G-T. GRCh37 (hg19) VCF-style: chr2-25973175-G-T.
Other names: c.1076C>A, p.Ala359Asp (NM_001369346.1); c.470C>A, p.Ala157Asp (NM_001369347.1); short protein forms A157D, A359D, A417D.
Identifiers: ClinVar variation 2751052 (VCV002751052.3), dbSNP rs2088023539, ClinGen allele CA346077162.